The following is an entry in ClinVar:

NM_032578.4(MYPN):c.2530A>G (p.Asn844Asp)

Gene: MYPN (myopalladin; plus strand). Cytogenetic location: 10q21.3.
Variant type: single nucleotide variant.
Coding change: c.2530A>G on transcript NM_032578.4 (MANE Select); coding-DNA position 2530, A replaced by G.
Protein change: p.Asn844Asp; replaces asparagine 844 with aspartic acid.
Molecular consequence: missense variant. On other transcripts: non-coding transcript variant (2).
Genome position (GRCh38, 1-based): chr10:68,174,622, A>G. VCF-style: chr10-68174622-A-G. GRCh37 (hg19) VCF-style: chr10-69934379-A-G.
Other names: c.2530A>G, p.Asn844Asp (NM_001256267.2); c.1648A>G, p.Asn550Asp (NM_001256268.2); short protein forms N844D, N550D.
Identifiers: ClinVar variation 1429739 (VCV001429739.4), dbSNP rs2134201696, ClinGen allele CA376848133.

ClinVar aggregate classification (germline): Uncertain significance (1 of 4 stars; one submission).

Conditions:
Dilated cardiomyopathy 1KK (CMD1KK). Identifiers: Orphanet 154, Orphanet 75249, MedGen C3714995, MONDO:0014100, OMIM 615248.

gnomAD v4.1: 2 of 1,614,002 alleles (0.00012%); highest among the groups gnomAD compares: Non-Finnish European, 0.00017%; no homozygotes.

Submission:

Labcorp Genetics (formerly Invitae), Labcorp
Classification: Uncertain significance for Dilated cardiomyopathy 1KK. Last evaluated: 2022-08-15. Review status: criteria provided, single submitter. Criteria: Invitae Variant Classification Sherloc (09022015). Collection method: clinical testing. Allele origin: germline.
Comment: Algorithms developed to predict the effect of missense changes on protein structure and function are either unavailable or do not agree on the potential impact of this missense change (SIFT: "Tolerated"; PolyPhen-2: "Probably Damaging"; Align-GVGD: "Class C0"). In summary, the available evidence is currently insufficient to determine the role of this variant in disease. Therefore, it has been classified as a Variant of Uncertain Significance. Algorithms developed to predict the effect of sequence changes on RNA splicing suggest that this variant may create or strengthen a splice site. ClinVar contains an entry for this variant (Variation ID: 1429739). This variant has not been reported in the literature in individuals affected with MYPN-related conditions. This variant is not present in population databases (gnomAD no frequency). This sequence change replaces asparagine, which is neutral and polar, with aspartic acid, which is acidic and polar, at codon 844 of the MYPN protein (p.Asn844Asp).